The following is an entry in ClinVar:

ClinVar aggregate classification (germline): Uncertain significance (1 of 4 stars; one submission).

Conditions:
Cholestanol storage disease (CTX). Also called: CTX: Cerebrotendinous xanthomatosis; Cerebrotendinous Xanthomatosis; CEREBRAL CHOLESTERINOSIS. Identifiers: Orphanet 909, MedGen C0238052, MONDO:0008948, OMIM 213700.

Allele frequency attached by ClinVar (database versions not stated): gnomAD exomes below 0.00001; TOPMed below 0.00001.
gnomAD v4.1: 1 of 1,614,182 alleles (0.000062%); highest among the groups gnomAD compares: African/African-American, 0.0013%; no homozygotes.

Submission:

Labcorp Genetics (formerly Invitae), Labcorp
Classification: Uncertain significance for Cholestanol storage disease. Last evaluated: 2022-03-02. Review status: criteria provided, single submitter. Criteria: Invitae Variant Classification Sherloc (09022015). Collection method: clinical testing. Allele origin: germline.
Comment: This sequence change falls in intron 3 of the CYP27A1 gene. It does not directly change the encoded amino acid sequence of the CYP27A1 protein. It affects a nucleotide within the consensus splice site. This variant is not present in population databases (gnomAD no frequency). This variant has not been reported in the literature in individuals affected with CYP27A1-related conditions. Variants that disrupt the consensus splice site are a relatively common cause of aberrant splicing (PMID: 17576681, 9536098). Algorithms developed to predict the effect of sequence changes on RNA splicing suggest that this variant may disrupt the consensus splice site. In summary, the available evidence is currently insufficient to determine the role of this variant in disease. Therefore, it has been classified as a Variant of Uncertain Significance.

Literature cited by the submitters: PubMed 17576681; PubMed 9536098.

NM_000784.4(CYP27A1):c.647-3C>A

Gene: CYP27A1 (cytochrome P450 family 27 subfamily A member 1; plus strand). Cytogenetic location: 2q35.
Variant type: single nucleotide variant.
Coding change: c.647-3C>A on transcript NM_000784.4 (MANE Select); 3 bases into the intron before coding-DNA position 647, C replaced by A.
Molecular consequence: intron variant.
Genome position (GRCh38, 1-based): chr2:218,812,549, C>A. VCF-style: chr2-218812549-C-A. GRCh37 (hg19) VCF-style: chr2-219677272-C-A.
Identifiers: ClinVar variation 1514577 (VCV001514577.3), dbSNP rs1943729710, ClinGen allele CA1328928811.